The following is an entry in ClinVar:

NM_024675.4(PALB2):c.1296_1306del (p.His432fs)

Gene: PALB2 (partner and localizer of BRCA2; minus strand). Cytogenetic location: 16p12.2.
Variant type: Deletion.
Coding change: c.1296_1306del on transcript NM_024675.4 (MANE Select); coding-DNA positions 1296 to 1306, 11 bases deleted (TTTGGATGTCA).
Protein change: p.His432fs; shifts the reading frame from histidine 432.
Molecular consequence: frameshift variant. On other transcripts: intron variant (3).
Genome position (GRCh38, 1-based): chr16:23,635,240-23,635,250, TGACATCCAAA deleted on the plus strand (TTTGGATGTCA on the coding strand, the reverse complement: PALB2 is on the minus strand); deleting any 11 consecutive bases within chr16:23,635,240-23,635,254 gives the same sequence; the c. name uses the placement nearest the transcript's 3' end. VCF-style (leftmost placement, unchanged base first): chr16-23635239-TTGACATCCAAA-T. GRCh37 (hg19) VCF-style: chr16-23646560-TTGACATCCAAA-T.
Other names: c.1236_1246del, p.His412fs (NM_001407296.1); c.1296_1306del, p.His432fs (NM_001407297.1, NM_001407298.1, NM_001407299.1 and 3 more transcripts); c.411_421del, p.His137fs (NM_001407304.1, NM_001407305.1, NM_001407306.1 and 5 more transcripts); c.1292_1302delGTCATTTGGAT, p.His432Glnfs (NM_024675.3); c.48+5860_48+5870del (NM_001407314.1); c.-104-4781_-104-4771del (NM_001407313.1, NM_001407312.1); c.1296_1306del (NM_024675.3); short protein forms H137fs, H412fs, H432fs.
Identifiers: ClinVar variation 2673882 (VCV002673882.2), dbSNP rs2506482111, ClinGen allele CA2695197488.

ClinVar aggregate classification (germline): Pathogenic. Review status: criteria provided, multiple submitters, no conflicts (2 of 4 stars). 2 submissions from 2 submitters: Pathogenic (2). Last evaluated 2024-09-05.

Conditions:
Familial cancer of breast. Also called: Hereditary breast cancer; BREAST CANCER, FAMILIAL; hereditary breast carcinoma. Identifiers: Orphanet 227535, MedGen C0346153, MONDO:0016419, OMIM 114480. Disease mechanism: loss of function.

Submissions (2):

Molecular Pathology, Peter Maccallum Cancer Centre
Classification: Pathogenic for Familial cancer of breast. Last evaluated: 2024-09-05. Review status: criteria provided, single submitter. Criteria: ACMG Guidelines, 2015. Collection method: clinical testing. Allele origin: germline. Inheritance: Autosomal dominant inheritance.

Myriad Genetics, Inc.
Classification: Pathogenic for Familial cancer of breast. Last evaluated: 2023-09-08. Review status: criteria provided, single submitter. Criteria: Myriad Autosomal Dominant, Autosomal Recessive and X-Linked Classification Criteria (2023). Collection method: clinical testing. Allele origin: unknown.
Comment: This variant is considered pathogenic. This variant creates a frameshift predicted to result in premature protein truncation.